The following is an entry in ClinVar:

ClinVar aggregate classification (germline): Conflicting classifications of pathogenicity. Review status: criteria provided, conflicting classifications (1 of 4 stars). 2 submissions from 2 submitters: Likely pathogenic (1); Uncertain significance (1). Last evaluated 2022-10-28.

Conditions:
RPE65-related disorder. Also called: RPE65-related disorders; RPE65-related condition. Identifiers: MedGen CN239301.
Leber congenital amaurosis 2 (LCA2). Also called: Autosomal Recessive RPE65-Related Retinal Degeneration; AMAUROSIS CONGENITA OF LEBER II. Identifiers: Orphanet 65, MedGen C1859844, MONDO:0008765, OMIM 204100. Disease mechanism: loss of function.
Retinitis pigmentosa 20 (RP20). Identifiers: Orphanet 791, MedGen C3151086, MONDO:0013425, OMIM 613794.

Allele frequency attached by ClinVar (database versions not stated): gnomAD exomes 0.00001.
gnomAD v4.1: 17 of 1,613,960 alleles (0.0011%); highest among the groups gnomAD compares: South Asian, 0.0022%; no homozygotes.

Submissions (2):

Blueprint Genetics
Classification: Likely pathogenic for RPE65-related disorders. Last evaluated: 2022-10-28. Review status: criteria provided, single submitter. Criteria: ACMG Guidelines, 2015. Collection method: clinical testing. Allele origin: germline. Affected: yes. Observed: 1 variant allele.

Labcorp Genetics (formerly Invitae), Labcorp
Classification: Uncertain significance for Leber congenital amaurosis 2; Retinitis pigmentosa 20. Last evaluated: 2021-10-13. Review status: criteria provided, single submitter. Criteria: Invitae Variant Classification Sherloc (09022015). Collection method: clinical testing. Allele origin: germline.
Comment: This sequence change replaces threonine with isoleucine at codon 188 of the RPE65 protein (p.Thr188Ile). The threonine residue is highly conserved and there is a moderate physicochemical difference between threonine and isoleucine. This variant is not present in population databases (ExAC no frequency). This variant has not been reported in the literature in individuals affected with RPE65-related conditions. Algorithms developed to predict the effect of missense changes on protein structure and function are either unavailable or do not agree on the potential impact of this missense change (SIFT: "Deleterious"; PolyPhen-2: "Probably Damaging"; Align-GVGD: "Class C0"). In summary, the available evidence is currently insufficient to determine the role of this variant in disease. Therefore, it has been classified as a Variant of Uncertain Significance.

NM_000329.3(RPE65):c.563C>T (p.Thr188Ile)

Gene: RPE65 (retinoid isomerohydrolase RPE65; minus strand). Cytogenetic location: 1p31.3.
Variant type: single nucleotide variant.
Coding change: c.563C>T on transcript NM_000329.3 (MANE Select); coding-DNA position 563, C replaced by T.
Protein change: p.Thr188Ile; replaces threonine 188 with isoleucine.
Molecular consequence: missense variant.
Genome position (GRCh38, 1-based): chr1:68,440,933, G>A on the plus strand (C>T on the coding strand, the complement: RPE65 is on the minus strand). VCF-style: chr1-68440933-G-A. GRCh37 (hg19) VCF-style: chr1-68906616-G-A.
Other names: short protein forms T188I.
Identifiers: ClinVar variation 1439115 (VCV001439115.4), dbSNP rs1196428445, ClinGen allele CA340747090.